The following is an entry in ClinVar:

NM_001199138.2(NLRC4):c.2380T>C (p.Cys794Arg)

Gene: NLRC4 (NLR family CARD domain containing 4; minus strand). Cytogenetic location: 2p22.3.
Variant type: single nucleotide variant.
Coding change: c.2380T>C on transcript NM_001199138.2 (MANE Select); coding-DNA position 2380, T replaced by C.
Protein change: p.Cys794Arg; replaces cysteine 794 with arginine.
Molecular consequence: missense variant.
Genome position (GRCh38, 1-based): chr2:32,238,273, A>G on the plus strand (T>C on the coding strand, the complement: NLRC4 is on the minus strand). VCF-style: chr2-32238273-A-G. GRCh37 (hg19) VCF-style: chr2-32463342-A-G.
Other names: c.2380T>C, p.Cys794Arg (NM_001199139.2, NM_021209.5); c.385T>C, p.Cys129Arg (NM_001302504.2); short protein forms C794R, C129R.
Identifiers: ClinVar variation 661691 (VCV000661691.10), dbSNP rs140154587, ClinGen allele CA1601803.

ClinVar aggregate classification (germline): Uncertain significance. Review status: criteria provided, multiple submitters, no conflicts (2 of 4 stars). 3 submissions from 3 submitters: Uncertain significance (3). Last evaluated 2025-03-31.

Conditions:
Periodic fever-infantile enterocolitis-autoinflammatory syndrome. Also called: Autoinflammation with infantile enterocolitis. Identifiers: Orphanet 436166, MedGen C4015067, MONDO:0014472, OMIM 616050.
Familial cold autoinflammatory syndrome 4 (FCAS4). Identifiers: Orphanet 47045, Orphanet 576349, MedGen C4015276, MONDO:0014498, OMIM 616115.

Allele frequency attached by ClinVar (database versions not stated): gnomAD exomes 0.00002 and 0.00004; ExAC 0.00007; gnomAD 0.00012 and 0.00015; TOPMed 0.00012; ESP Exome Variant Server 0.00038; 1000 Genomes Project 30x 0.00078; 1000 Genomes Project 0.00100.
gnomAD v4.1: 49 of 1,611,710 alleles (0.003%); highest among the groups gnomAD compares: African/African-American, 0.057%; no homozygotes.

Submissions (3):

Labcorp Genetics (formerly Invitae), Labcorp
Classification: Uncertain significance for Periodic fever-infantile enterocolitis-autoinflammatory syndrome; Familial cold autoinflammatory syndrome 4. Last evaluated: 2025-03-31. Review status: criteria provided, single submitter. Criteria: Invitae Variant Classification Sherloc (09022015). Collection method: clinical testing. Allele origin: germline.
Comment: This sequence change replaces cysteine, which is neutral and slightly polar, with arginine, which is basic and polar, at codon 794 of the NLRC4 protein (p.Cys794Arg). This variant is present in population databases (rs140154587, gnomAD 0.05%). This variant has not been reported in the literature in individuals affected with NLRC4-related conditions. ClinVar contains an entry for this variant (Variation ID: 661691). Invitae Evidence Modeling of protein sequence and biophysical properties (such as structural, functional, and spatial information, amino acid conservation, physicochemical variation, residue mobility, and thermodynamic stability) indicates that this missense variant is not expected to disrupt NLRC4 protein function with a negative predictive value of 80%. In summary, the available evidence is currently insufficient to determine the role of this variant in disease. Therefore, it has been classified as a Variant of Uncertain Significance.

Blueprint Genetics
Classification: Uncertain significance. Last evaluated: 2021-05-21. Review status: criteria provided, single submitter. Criteria: ACMG Guidelines, 2015. Collection method: clinical testing. Allele origin: germline.

Laboratorio de Genetica e Diagnostico Molecular, Hospital Israelita Albert Einstein
Classification: Uncertain significance. Last evaluated: 2019-03-18. Review status: criteria provided, single submitter. Criteria: ACMG Guidelines, 2015. Collection method: clinical testing. Allele origin: germline. Affected: yes.
Comment: ACMG classification criteria: BP4